The following is an entry in ClinVar:

NM_001042492.3(NF1):c.7457+4A>G

Gene: NF1 (neurofibromin 1; plus strand). Cytogenetic location: 17q11.2.
Variant type: single nucleotide variant.
Coding change: c.7457+4A>G on transcript NM_001042492.3 (MANE Select); 4 bases into the intron after coding-DNA position 7457, A replaced by G.
Molecular consequence: intron variant.
Genome position (GRCh38, 1-based): chr17:31,350,322, A>G. VCF-style: chr17-31350322-A-G. GRCh37 (hg19) VCF-style: chr17-29677340-A-G.
Other names: c.7394+4A>G (NM_000267.4).
Identifiers: ClinVar variation 4023313 (VCV004023313.1).

ClinVar aggregate classification (germline): Uncertain significance (1 of 4 stars; one submission).

Conditions:
Cardiovascular phenotype. Identifiers: MedGen CN230736.
Hereditary cancer-predisposing syndrome. Also called: Tumor predisposition; Hereditary neoplastic syndrome; Neoplastic Syndromes, Hereditary; Hereditary Cancer Syndrome. Identifiers: Orphanet 140162, MedGen C0027672, MeSH D009386, MONDO:0015356.

Submission:

Ambry Genetics
Classification: Uncertain significance for Cardiovascular phenotype; Hereditary cancer-predisposing syndrome. Last evaluated: 2025-05-07. Review status: criteria provided, single submitter. Criteria: Ambry Variant Classification Scheme 2023. Collection method: clinical testing. Allele origin: germline.
Comment: The c.7394+4A>G intronic variant results from an A to G substitution 4 nucleotides after coding exon 49 in the NF1 gene. This nucleotide position is not well conserved in available vertebrate species. In silico splice site analysis predicts that this alteration will not have any significant effect on splicing. Based on the available evidence, the clinical significance of this variant remains unclear.